The following is an entry in ClinVar:

ClinVar aggregate classification (germline): Likely benign (1 of 4 stars; one submission).

Allele frequency attached by ClinVar (database versions not stated): gnomAD 0.00003.

Submission:

CeGaT Center for Human Genetics Tuebingen
Classification: Likely benign. Last evaluated: 2022-07-01. Review status: criteria provided, single submitter. Criteria: CeGaT Center For Human Genetics Tuebingen Variant Classification Criteria Version 2. Collection method: clinical testing. Allele origin: germline. Affected: yes. Observed: 1 variant allele.
Comment: MUC4: BP4, BP7

NM_018406.7(MUC4):c.11997C>G (p.Thr3999=)

Gene: MUC4 (mucin 4, cell surface associated). Cytogenetic location: 3q29.
Variant type: single nucleotide variant.
Coding change: c.11997C>G on transcript NM_018406.7 (MANE Select); coding-DNA position 11997, C replaced by G.
Protein change: p.Thr3999=; no amino-acid change (threonine 3999 retained).
Molecular consequence: synonymous variant. On other transcripts: genic upstream transcript variant (2).
Genome position (GRCh38, 1-based): chr3:195,779,583, G>C on the plus strand (C>G on the coding strand, the complement: MUC4 is on the minus strand). VCF-style: chr3-195779583-G-C. GRCh37 (hg19) VCF-style: chr3-195506454-G-C.
Other names: c.17295C>G, p.Thr5765= (NM_001322468.1); c.83-5278C>G (NM_138297.5); c.83-1128C>G (NM_004532.6).
Identifiers: ClinVar variation 2654394 (VCV002654394.24), dbSNP rs1428837694, ClinGen allele CA438035395.